The following is an entry in ClinVar:

NM_032043.3(BRIP1):c.1383T>C (p.Tyr461=)

Gene: BRIP1 (BRCA1 interacting DNA helicase 1; minus strand). Cytogenetic location: 17q23.2.
Variant type: single nucleotide variant.
Coding change: c.1383T>C on transcript NM_032043.3 (MANE Select); coding-DNA position 1383, T replaced by C.
Protein change: p.Tyr461=; no amino-acid change (tyrosine 461 retained).
Molecular consequence: synonymous variant.
Genome position (GRCh38, 1-based): chr17:61,793,687, A>G on the plus strand (T>C on the coding strand, the complement: BRIP1 is on the minus strand). VCF-style: chr17-61793687-A-G. GRCh37 (hg19) VCF-style: chr17-59871048-A-G.
Other names: p.Y461Y:TAT>TAC.
Identifiers: ClinVar variation 136584 (VCV000136584.22), dbSNP rs587780875, ClinGen allele CA289751.

ClinVar aggregate classification (germline): Benign/Likely benign. Review status: criteria provided, multiple submitters, no conflicts (2 of 4 stars). 7 submissions from 7 submitters: Benign (2); Likely benign (5). Last evaluated 2025-12-15.

Conditions:
BRIP1-related disorder. Also called: BRIP1-related condition; BRIP1-related disorders. Identifiers: MedGen CN239206.
Familial cancer of breast. Also called: hereditary breast carcinoma; Hereditary breast cancer; BREAST CANCER, FAMILIAL. Identifiers: Orphanet 227535, MedGen C0346153, MONDO:0016419, OMIM 114480. Disease mechanism: loss of function.
Fanconi anemia complementation group J. Also called: BRIP1-Related Fanconi Anemia. Identifiers: Orphanet 84, MedGen C1836860, MONDO:0012187, OMIM 609054.
Hereditary cancer-predisposing syndrome. Also called: Neoplastic Syndromes, Hereditary; Tumor predisposition; Hereditary Cancer Syndrome; Hereditary neoplastic syndrome. Identifiers: Orphanet 140162, MedGen C0027672, MeSH D009386, MONDO:0015356.

Allele frequency attached by ClinVar (database versions not stated): TOPMed 0.00002.
gnomAD v4.1: 10 of 1,610,654 alleles (0.00062%); highest among the groups gnomAD compares: Non-Finnish European, 0.00085%; no homozygotes.

Submissions (7):

Labcorp Genetics (formerly Invitae), Labcorp
Classification: Likely benign for Familial cancer of breast; Fanconi anemia complementation group J. Last evaluated: 2025-12-15. Review status: criteria provided, single submitter. Criteria: Invitae Variant Classification Sherloc (09022015). Collection method: clinical testing. Allele origin: germline.

PreventionGenetics, part of Exact Sciences
Classification: Likely benign for BRIP1-related condition. Last evaluated: 2025-05-30. Review status: criteria provided, single submitter. Criteria: ACMG Guidelines, 2015. Collection method: clinical testing. Allele origin: germline.
Comment: This variant is classified as likely benign based on ACMG/AMP sequence variant interpretation guidelines (Richards et al. 2015 PMID: 25741868, with internal and published modifications).

Myriad Genetics, Inc.
Classification: Benign for Familial cancer of breast. Last evaluated: 2024-08-27. Review status: criteria provided, single submitter. Criteria: Myriad Autosomal Dominant, Autosomal Recessive and X-Linked Classification Criteria (2023). Collection method: clinical testing. Allele origin: unknown.
Comment: This variant is considered benign. This variant is a silent/synonymous amino acid change and it is not expected to impact splicing.

Women's Health and Genetics/Laboratory Corporation of America, LabCorp
Classification: Likely benign. Last evaluated: 2020-01-31. Review status: criteria provided, single submitter. Criteria: LabCorp Variant Classification Summary - May 2015. Collection method: clinical testing. Allele origin: germline.

Color Diagnostics, LLC DBA Color Health
Classification: Likely benign for Hereditary cancer-predisposing syndrome. Last evaluated: 2015-04-16. Review status: criteria provided, single submitter. Criteria: ACMG Guidelines, 2015. Collection method: clinical testing. Allele origin: germline.

Ambry Genetics
Classification: Likely benign for Hereditary cancer-predisposing syndrome. Last evaluated: 2014-05-28. Review status: criteria provided, single submitter. Criteria: Ambry Variant Classification Scheme 2023. Collection method: clinical testing. Allele origin: germline.

GeneDx
Classification: Benign. Last evaluated: 2014-04-11. Review status: criteria provided, single submitter. Criteria: GeneDx Variant Classification (06012015). Collection method: clinical testing. Allele origin: germline. Affected: yes.
Comment: This variant is considered likely benign or benign based on one or more of the following criteria: it is a conservative change, it occurs at a poorly conserved position in the protein, it is predicted to be benign by multiple in silico algorithms, and/or has population frequency not consistent with disease.